The following is an entry in ClinVar:

NM_017827.4(SARS2):c.337G>A (p.Val113Met)

Gene: SARS2 (seryl-tRNA synthetase 2, mitochondrial; minus strand). Cytogenetic location: 19q13.2.
Variant type: single nucleotide variant.
Coding change: c.337G>A on transcript NM_017827.4 (MANE Select); coding-DNA position 337, G replaced by A.
Protein change: p.Val113Met; replaces valine 113 with methionine.
Molecular consequence: missense variant.
Genome position (GRCh38, 1-based): chr19:38,926,231, C>T on the plus strand (G>A on the coding strand, the complement: SARS2 is on the minus strand). VCF-style: chr19-38926231-C-T. GRCh37 (hg19) VCF-style: chr19-39416871-C-T.
Other names: p.Val113Met; c.337G>A, p.Val113Met (NM_001145901.2); short protein forms V113M.
Identifiers: ClinVar variation 3380617 (VCV003380617.1).
Genomic context (GRCh38, chr19:38,926,231, plus strand): 5'-GCCACTCCCCACCTACTCAGGGCACCATGCTCACCAGCAGGGCCCGCACTGCCTCAGTCA[C>T]AGCTGCCTTCTCTTCCTCCAGGCTCCGGATCTGCTCCTGCAGCTGCCTCAGCTCCTGCCA-3'
Protein context (NP_060297.1, residues 103-123): IRSLEEEKAA[Val113Met]TEAVRALLAN

ClinVar aggregate classification (germline): Uncertain significance (1 of 4 stars; one submission).

gnomAD v4.1: 1 of 1,606,820 alleles (0.000062%); highest among the groups gnomAD compares: Non-Finnish European, 0.000085%; no homozygotes.

Submission:

Mayo Clinic Laboratories, Mayo Clinic
Classification: Uncertain significance. Last evaluated: 2023-11-03. Review status: criteria provided, single submitter. Criteria: ACMG Guidelines, 2015. Collection method: clinical testing. Allele origin: germline. Observed: 1 variant allele.
Comment: BP4